The following is an entry in ClinVar:

ClinVar aggregate classification (germline): Likely benign. Review status: criteria provided, multiple submitters, no conflicts (2 of 4 stars). 2 submissions from 2 submitters: Likely benign (2). Last evaluated 2026-05-14.

Conditions:
CNNM2-related disorder. Also called: CNNM2-related condition.

Submissions (2):

Revvity Omics, Revvity
Classification: Likely benign. Last evaluated: 2026-05-14. Review status: criteria provided, single submitter. Criteria: ACMG Guidelines, 2015. Collection method: clinical testing. Allele origin: germline.

PreventionGenetics, part of Exact Sciences
Classification: Likely benign for CNNM2-related condition. Last evaluated: 2025-06-20. Review status: criteria provided, single submitter. Criteria: ACMG Guidelines, 2015. Collection method: clinical testing. Allele origin: germline.
Comment: This variant is classified as likely benign based on ACMG/AMP sequence variant interpretation guidelines (Richards et al. 2015 PMID: 25741868, with internal and published modifications).

NM_017649.5(CNNM2):c.804G>C (p.Leu268=)

Gene: CNNM2 (cyclin and CBS domain divalent metal cation transport mediator 2; plus strand). Cytogenetic location: 10q24.32.
Variant type: single nucleotide variant.
Coding change: c.804G>C on transcript NM_017649.5 (MANE Select); coding-DNA position 804, G replaced by C.
Protein change: p.Leu268=; no amino-acid change (leucine 268 retained).
Molecular consequence: synonymous variant.
Genome position (GRCh38, 1-based): chr10:102,919,284, G>C. VCF-style: chr10-102919284-G-C. GRCh37 (hg19) VCF-style: chr10-104679041-G-C.
Other names: c.804G>C, p.Leu268= (NM_199076.3, NM_199077.3); c.804G>C (NM_017649.4).
Identifiers: ClinVar variation 4877391 (VCV004877391.2).